The following is an entry in ClinVar:

ClinVar aggregate classification (germline): Likely benign. Review status: criteria provided, multiple submitters, no conflicts (2 of 4 stars). 3 submissions from 3 submitters: Likely benign (3). Last evaluated 2025-12-28.

Conditions:
Hypophosphatasia. Also called: Phosphoethanol-aminuria. Identifiers: Orphanet 436, MedGen C0020630, MeSH D007014, MONDO:0018570.

Allele frequency attached by ClinVar (database versions not stated): gnomAD exomes 0.00001 and 0.00008; TOPMed 0.00003; gnomAD 0.00006; ExAC 0.00007.
gnomAD v4.1: 29 of 1,602,806 alleles (0.0018%); highest among the groups gnomAD compares: East Asian, 0.04%; no homozygotes.

Submissions (3):

Labcorp Genetics (formerly Invitae), Labcorp
Classification: Likely benign. Last evaluated: 2025-12-28. Review status: criteria provided, single submitter. Criteria: Invitae Variant Classification Sherloc (09022015). Collection method: clinical testing. Allele origin: germline.

Blueprint Genetics
Classification: Likely benign. Last evaluated: 2024-09-10. Review status: criteria provided, single submitter. Criteria: ACMG Guidelines, 2015. Collection method: clinical testing. Allele origin: germline.

Illumina Laboratory Services, Illumina
Classification: Likely benign for Hypophosphatasia. Last evaluated: 2018-01-13. Review status: criteria provided, single submitter. Criteria: ICSL Variant Classification Criteria 13 December 2019. Collection method: clinical testing. Allele origin: germline.
Comment: This variant was observed in the ICSL laboratory as part of a predisposition screen in an ostensibly healthy population. It had not been previously curated by ICSL or reported in the Human Gene Mutation Database (HGMD: prior to June 1st, 2018), and was therefore a candidate for classification through an automated scoring system. Utilizing variant allele frequency, disease prevalence and penetrance estimates, and inheritance mode, an automated score was calculated to assess if this variant is too frequent to cause the disease. Based on the score and internal cut-off values, a variant classified as likely benign is not then subjected to further curation. The score for this variant resulted in a classification of likely benign for this disease.

NM_000478.6(ALPL):c.1506G>A (p.Ser502=)

Gene: ALPL (alkaline phosphatase, biomineralization associated; plus strand). Cytogenetic location: 1p36.12.
Variant type: single nucleotide variant.
Coding change: c.1506G>A on transcript NM_000478.6 (MANE Select); coding-DNA position 1506, G replaced by A.
Protein change: p.Ser502=; no amino-acid change (serine 502 retained).
Molecular consequence: synonymous variant.
Genome position (GRCh38, 1-based): chr1:21,577,579, G>A. VCF-style: chr1-21577579-G-A. GRCh37 (hg19) VCF-style: chr1-21904072-G-A.
Other names: c.1341G>A, p.Ser447= (NM_001127501.4); c.1275G>A, p.Ser425= (NM_001177520.3); c.1506G>A, p.Ser502= (NM_001369803.2, NM_001369804.2, NM_001369805.2).
Identifiers: ClinVar variation 295554 (VCV000295554.14), dbSNP rs751195005, ClinGen allele CA666869.